The following is an entry in ClinVar:

ClinVar aggregate classification (germline): Likely benign. Review status: criteria provided, multiple submitters, no conflicts (2 of 4 stars). 2 submissions from 2 submitters: Likely benign (2). Last evaluated 2024-09-01.

Conditions:
Progressive sclerosing poliodystrophy (MTDPS4A). Also called: ALPERS DIFFUSE DEGENERATION OF CEREBRAL GRAY MATTER WITH HEPATIC CIRRHOSIS; Alpers-Huttenlocher Syndrome; ALPERS PROGRESSIVE INFANTILE POLIODYSTROPHY; NEURONAL DEGENERATION OF CHILDHOOD WITH LIVER DISEASE, PROGRESSIVE; Alpers-Huttenlocher Syndrome (AHS); Mitochondrial DNA depletion syndrome 4A (Alpers type). Identifiers: Orphanet 726, MedGen C0205710, MONDO:0008758, OMIM 203700.

Allele frequency attached by ClinVar (database versions not stated): gnomAD exomes below 0.00001; ExAC 0.00001; ESP Exome Variant Server 0.00008.
gnomAD v4.1: 6 of 1,611,684 alleles (0.00037%); highest among the groups gnomAD compares: Middle Eastern, 0.016%; no homozygotes.

Submissions (2):

CeGaT Center for Human Genetics Tuebingen
Classification: Likely benign. Last evaluated: 2024-09-01. Review status: criteria provided, single submitter. Criteria: CeGaT Center For Human Genetics Tuebingen Variant Classification Criteria Version 2. Collection method: clinical testing. Allele origin: germline. Affected: yes. Observed: 1 variant allele.
Comment: POLG: BP4, BP7

Labcorp Genetics (formerly Invitae), Labcorp
Classification: Likely benign for Progressive sclerosing poliodystrophy. Last evaluated: 2023-12-23. Review status: criteria provided, single submitter. Criteria: Invitae Variant Classification Sherloc (09022015). Collection method: clinical testing. Allele origin: germline.

NM_002693.3(POLG):c.288C>G (p.Gly96=)

Genes: POLG (DNA polymerase gamma, catalytic subunit; minus strand), POLGARF (POLG alternative reading frame; minus strand). Cytogenetic location: 15q26.1.
Variant type: single nucleotide variant.
Coding change: c.288C>G on transcript NM_002693.3 (MANE Select); coding-DNA position 288, C replaced by G.
Protein change: p.Gly96=; no amino-acid change (glycine 96 retained).
Molecular consequence: synonymous variant.
Genome position (GRCh38, 1-based): chr15:89,333,467, G>C on the plus strand (C>G on the coding strand, the complement: POLG is on the minus strand). VCF-style: chr15-89333467-G-C. GRCh37 (hg19) VCF-style: chr15-89876698-G-C.
Other names: c.288C>G, p.Gly96= (NM_001126131.2).
Identifiers: ClinVar variation 1632268 (VCV001632268.22), dbSNP rs149324249, ClinGen allele CA7725138.